The following is an entry in ClinVar:

ClinVar aggregate classification (germline): Uncertain significance (1 of 4 stars; one submission).

gnomAD v4.1: 5 of 1,614,218 alleles (0.00031%); highest among the groups gnomAD compares: Admixed American, 0.0083%; no homozygotes.

Submission:

Labcorp Genetics (formerly Invitae), Labcorp
Classification: Uncertain significance. Last evaluated: 2025-03-13. Review status: criteria provided, single submitter. Criteria: Invitae Variant Classification Sherloc (09022015). Collection method: clinical testing. Allele origin: germline.
Comment: This sequence change creates a premature translational stop signal (p.Glu918*) in the MERTK gene. While this is not anticipated to result in nonsense mediated decay, it is expected to disrupt the last 82 amino acid(s) of the MERTK protein. This variant is present in population databases (rs745544181, gnomAD 0.01%). This variant has not been reported in the literature in individuals affected with MERTK-related conditions. In summary, the available evidence is currently insufficient to determine the role of this variant in disease. Therefore, it has been classified as a Variant of Uncertain Significance.

NM_006343.3(MERTK):c.2752G>T (p.Glu918Ter)

Gene: MERTK (MER proto-oncogene, tyrosine kinase; plus strand). Cytogenetic location: 2q13.
Variant type: single nucleotide variant.
Coding change: c.2752G>T on transcript NM_006343.3 (MANE Select); coding-DNA position 2752, G replaced by T.
Protein change: p.Glu918Ter; replaces glutamic acid 918 with a stop codon.
Molecular consequence: nonsense.
Genome position (GRCh38, 1-based): chr2:112,028,616, G>T. VCF-style: chr2-112028616-G-T. GRCh37 (hg19) VCF-style: chr2-112786193-G-T.
Other names: short protein forms E918*.
Identifiers: ClinVar variation 4761955 (VCV004761955.1).